The following is an entry in ClinVar:

ClinVar aggregate classification (germline): Uncertain significance. Review status: criteria provided, multiple submitters, no conflicts (2 of 4 stars). 2 submissions from 2 submitters: Uncertain significance (2). Last evaluated 2025-09-08.

Allele frequency attached by ClinVar (database versions not stated): gnomAD exomes 0.00005 and 0.00002; gnomAD 0.00021 and 0.00024; TOPMed 0.00023; ESP Exome Variant Server 0.00023; ExAC 0.00004; 1000 Genomes Project 0.00020; 1000 Genomes Project 30x 0.00016.
gnomAD v4.1: 66 of 1,611,700 alleles (0.0041%); highest among the groups gnomAD compares: African/African-American, 0.082%; no homozygotes.

Submissions (2):

Labcorp Genetics (formerly Invitae), Labcorp
Classification: Uncertain significance. Last evaluated: 2025-09-08. Review status: criteria provided, single submitter. Criteria: Invitae Variant Classification Sherloc (09022015). Collection method: clinical testing. Allele origin: germline.
Comment: This sequence change replaces isoleucine, which is neutral and non-polar, with methionine, which is neutral and non-polar, at codon 787 of the SUCO protein (p.Ile787Met). This variant is present in population databases (rs377068785, gnomAD 0.07%), and has an allele count higher than expected for a pathogenic variant. This variant has not been reported in the literature in individuals affected with SUCO-related conditions. ClinVar contains an entry for this variant (Variation ID: 1499308). An algorithm developed to predict the effect of missense changes on protein structure and function outputs the following: PolyPhen-2: "Benign". The methionine amino acid residue is found in multiple mammalian species, which suggests that this missense change does not adversely affect protein function. In summary, the available evidence is currently insufficient to determine the role of this variant in disease. Therefore, it has been classified as a Variant of Uncertain Significance.

Ambry Genetics
Classification: Uncertain significance. Last evaluated: 2024-05-15. Review status: criteria provided, single submitter. Criteria: Ambry Variant Classification Scheme 2023. Collection method: clinical testing. Allele origin: germline.

NM_014283.5(SUCO):c.2361A>G (p.Ile787Met)

Gene: SUCO (SUN domain containing ossification factor; plus strand). Cytogenetic location: 1q24.3.
Variant type: single nucleotide variant.
Coding change: c.2361A>G on transcript NM_014283.5 (MANE Select); coding-DNA position 2361, A replaced by G.
Protein change: p.Ile787Met; replaces isoleucine 787 with methionine.
Molecular consequence: missense variant. On other transcripts: intron variant (1).
Genome position (GRCh38, 1-based): chr1:172,589,462, A>G. VCF-style: chr1-172589462-A-G. GRCh37 (hg19) VCF-style: chr1-172558602-A-G.
Other names: c.672A>G, p.Ile224Met (NM_001282751.2); c.2814A>G, p.Ile938Met (NM_016227.4); c.1712+538A>G (NM_001282750.2); c.2361A>G (NM_014283.3); short protein forms I224M, I787M, I938M.
Identifiers: ClinVar variation 1499308 (VCV001499308.7), dbSNP rs377068785, ClinGen allele CA1247072.